The following is an entry in ClinVar:

ClinVar aggregate classification (germline): Uncertain significance. Review status: criteria provided, multiple submitters, no conflicts (2 of 4 stars). 2 submissions from 2 submitters: Uncertain significance (2). Last evaluated 2026-08-18.

Conditions:
Neuropathy, hereditary sensory and autonomic, type 2A (HSAN2A). Also called: MORVAN DISEASE; NEUROPATHY, CONGENITAL SENSORY; NEUROPATHY, HEREDITARY SENSORY RADICULAR, AUTOSOMAL RECESSIVE; NEUROPATHY, HEREDITARY SENSORY, TYPE IIA; NEUROPATHY, PROGRESSIVE SENSORY, OF CHILDREN; WNK1-Related HSAN2 (HSAN2A). Identifiers: Orphanet 970, MedGen C2752089, MONDO:0024309, OMIM 201300.
Generalized epilepsy with febrile seizures plus, type 7 (GEFSP7). Also called: GEFS+, TYPE 7. Identifiers: Orphanet 36387, MedGen C2751778, MONDO:0013470, OMIM 613863.

Submissions (2):

GeneDx
Classification: Uncertain significance. Last evaluated: 2026-08-18. Review status: criteria provided, single submitter. Criteria: GeneDx Variant Classification Process June 2021. Collection method: clinical testing. Allele origin: germline.
Comment: Has not been previously published as pathogenic or benign to our knowledge; Not observed at significant frequency in large population cohorts (gnomAD); In silico analysis supports that this missense variant has a deleterious effect on protein structure/function

Labcorp Genetics (formerly Invitae), Labcorp
Classification: Uncertain significance for Neuropathy, hereditary sensory and autonomic, type 2A; Generalized epilepsy with febrile seizures plus, type 7. Last evaluated: 2025-11-01. Review status: criteria provided, single submitter. Criteria: Invitae Variant Classification Sherloc (09022015). Collection method: clinical testing. Allele origin: germline.
Comment: This sequence change replaces serine, which is neutral and polar, with arginine, which is basic and polar, at codon 680 of the SCN9A protein (p.Ser680Arg). This variant is not present in population databases (gnomAD no frequency). This variant has not been reported in the literature in individuals affected with SCN9A-related conditions. ClinVar contains an entry for this variant (Variation ID: 837078). Invitae Evidence Modeling of protein sequence and biophysical properties (such as structural, functional, and spatial information, amino acid conservation, physicochemical variation, residue mobility, and thermodynamic stability) indicates that this missense variant is not expected to disrupt SCN9A protein function with a negative predictive value of 95%. In summary, the available evidence is currently insufficient to determine the role of this variant in disease. Therefore, it has been classified as a Variant of Uncertain Significance.

NM_001365536.1(SCN9A):c.2073T>G (p.Ser691Arg)

Genes: SCN1A-AS1 (SCN1A and SCN9A antisense RNA 1; plus strand), SCN9A (sodium voltage-gated channel alpha subunit 9; minus strand). Cytogenetic location: 2q24.3.
Variant type: single nucleotide variant.
Coding change: c.2073T>G on transcript NM_001365536.1 (MANE Select); coding-DNA position 2073, T replaced by G.
Protein change: p.Ser691Arg; replaces serine 691 with arginine.
Molecular consequence: missense variant.
Genome position (GRCh38, 1-based): chr2:166,281,710, A>C on the plus strand (T>G on the coding strand, the complement: SCN9A is on the minus strand). VCF-style: chr2-166281710-A-C. GRCh37 (hg19) VCF-style: chr2-167138220-A-C.
Other names: c.2040T>G, p.Ser680Arg (NM_002977.4); short protein forms S691R, S680R.
Identifiers: ClinVar variation 837078 (VCV000837078.13), dbSNP rs1697496394, ClinGen allele CA349080976.